The following is an entry in ClinVar:

ClinVar aggregate classification (germline): Likely benign (1 of 4 stars; one submission).

Submission:

CeGaT Center for Human Genetics Tuebingen
Classification: Likely benign. Last evaluated: 2025-05-01. Review status: criteria provided, single submitter. Criteria: CeGaT Center For Human Genetics Tuebingen Variant Classification Criteria Version 2. Collection method: clinical testing. Allele origin: germline. Affected: yes. Observed: 1 variant allele.
Comment: KRT81: PM2:Supporting, BP4, BP7

NM_002281.4(KRT81):c.1497C>A (p.Gly499=)

Genes: KRT81 (keratin 81; minus strand), KRT86 (keratin 86; plus strand). Cytogenetic location: 12q13.13.
Variant type: single nucleotide variant.
Coding change: c.1497C>A on transcript NM_002281.4 (MANE Select); coding-DNA position 1497, C replaced by A.
Protein change: p.Gly499=; no amino-acid change (glycine 499 retained).
Molecular consequence: synonymous variant. On other transcripts: intron variant (1).
Genome position (GRCh38, 1-based): chr12:52,286,276, G>T on the plus strand (C>A on the coding strand, the complement: KRT81 is on the minus strand). VCF-style: chr12-52286276-G-T. GRCh37 (hg19) VCF-style: chr12-52680060-G-T.
Other names: c.-5+10330G>T (NM_001320198.2).
Identifiers: ClinVar variation 3905816 (VCV003905816.10).